The following is an entry in ClinVar:

ClinVar aggregate classification (germline): Conflicting classifications of pathogenicity. Review status: criteria provided, conflicting classifications (1 of 4 stars). 5 submissions from 3 submitters: Uncertain significance (2); Likely benign (3). Last evaluated 2025-05-26.

Conditions:
Congenital myopathy with fiber type disproportion. Also called: Congenital fiber-type disproportion; Congenital fiber-type disproportion myopathy. Identifiers: Orphanet 2020, MedGen C0546264, MONDO:0009711. Inheritance: all.
Familial restrictive cardiomyopathy (RCM). Identifiers: Orphanet 217635, MedGen C0340429, MONDO:0016340.
Actin accumulation myopathy (CMYO2A). Also called: Nemaline myopathy type 3; Myopathy, actin, congenital, with excess of thin myofilaments; CONGENITAL MYOPATHY 2A, TYPICAL, AUTOSOMAL DOMINANT; Myopathy, actin, congenital, with cores; Nemaline myopathy 3, with intranuclear rods. Identifiers: Orphanet 98904, MedGen C3711389, MONDO:0008070, OMIM 161800.

Allele frequency attached by ClinVar (database versions not stated): TOPMed 0.00001.

Submissions (5):

Labcorp Genetics (formerly Invitae), Labcorp
Classification: Likely benign for Actin accumulation myopathy. Last evaluated: 2025-05-26. Review status: criteria provided, single submitter. Criteria: Invitae Variant Classification Sherloc (09022015). Collection method: clinical testing. Allele origin: germline.

Blueprint Genetics
Classification: Likely benign. Last evaluated: 2021-11-02. Review status: criteria provided, single submitter. Criteria: ACMG Guidelines, 2015. Collection method: clinical testing. Allele origin: germline.

Illumina Laboratory Services, Illumina
Classification: Likely benign for Congenital myopathy 4A, autosomal dominant. Last evaluated: 2018-01-12. Review status: criteria provided, single submitter. Criteria: ICSL Variant Classification Criteria 13 December 2019. Collection method: clinical testing. Allele origin: germline.
Comment: This variant was observed in the ICSL laboratory as part of a predisposition screen in an ostensibly healthy population. It had not been previously curated by ICSL or reported in the Human Gene Mutation Database (HGMD: prior to June 1st, 2018), and was therefore a candidate for classification through an automated scoring system. Utilizing variant allele frequency, disease prevalence and penetrance estimates, and inheritance mode, an automated score was calculated to assess if this variant is too frequent to cause the disease. Based on the score and internal cut-off values, a variant classified as likely benign is not then subjected to further curation. The score for this variant resulted in a classification of likely benign for this disease.

Illumina Laboratory Services, Illumina
Classification: Uncertain significance for Actin accumulation myopathy. Last evaluated: 2018-01-12. Review status: criteria provided, single submitter. Criteria: ICSL Variant Classification Criteria 13 December 2019. Collection method: clinical testing. Allele origin: germline.

Illumina Laboratory Services, Illumina
Classification: Uncertain significance for Familial restrictive cardiomyopathy. Last evaluated: 2018-01-12. Review status: criteria provided, single submitter. Criteria: ICSL Variant Classification Criteria 13 December 2019. Collection method: clinical testing. Allele origin: germline.

NM_001100.4(ACTA1):c.108C>T (p.Ile36=)

Gene: ACTA1 (actin alpha 1, skeletal muscle; minus strand). Cytogenetic location: 1q42.13.
Variant type: single nucleotide variant.
Coding change: c.108C>T on transcript NM_001100.4 (MANE Select); coding-DNA position 108, C replaced by T.
Protein change: p.Ile36=; no amino-acid change (isoleucine 36 retained).
Molecular consequence: synonymous variant.
Genome position (GRCh38, 1-based): chr1:229,433,008, G>A on the plus strand (C>T on the coding strand, the complement: ACTA1 is on the minus strand). VCF-style: chr1-229433008-G-A. GRCh37 (hg19) VCF-style: chr1-229568755-G-A.
Identifiers: ClinVar variation 296059 (VCV000296059.15), dbSNP rs143948837, ClinGen allele CA1442937.